The following is an entry in ClinVar:

NM_031885.5(BBS2):c.1171C>T (p.Leu391=)

Gene: BBS2 (Bardet-Biedl syndrome 2; minus strand). Cytogenetic location: 16q13.
Variant type: single nucleotide variant.
Coding change: c.1171C>T on transcript NM_031885.5 (MANE Select); coding-DNA position 1171, C replaced by T.
Protein change: p.Leu391=; no amino-acid change (leucine 391 retained).
Molecular consequence: synonymous variant. On other transcripts: non-coding transcript variant (5).
Genome position (GRCh38, 1-based): chr16:56,501,407, G>A on the plus strand (C>T on the coding strand, the complement: BBS2 is on the minus strand). VCF-style: chr16-56501407-G-A. GRCh37 (hg19) VCF-style: chr16-56535319-G-A.
Other names: c.1171C>T, p.Leu391= (NM_001377456.1); c.1171C>T (NM_031885.3).
Identifiers: ClinVar variation 2804459 (VCV002804459.4), dbSNP rs752474817, ClinGen allele CA281480761.

ClinVar aggregate classification (germline): Likely benign. Review status: criteria provided, single submitter (1 of 4 stars). 2 submissions from 2 submitters: Likely benign (1). 1 of the submissions does not count toward it. Last evaluated 2023-09-25.

Conditions:
BBS2-related disorder. Also called: BBS2-related condition; BBS2-related disorders. Identifiers: MedGen CN239228.
Bardet-Biedl syndrome (BBS). Identifiers: Orphanet 110, MedGen C0752166, MONDO:0015229.

Allele frequency attached by ClinVar (database versions not stated): gnomAD exomes below 0.00001; TOPMed below 0.00001; gnomAD 0.00001.
gnomAD v4.1: 3 of 1,614,026 alleles (0.00019%); highest among the groups gnomAD compares: Non-Finnish European, 0.00025%; no homozygotes.

Submissions (2):

Labcorp Genetics (formerly Invitae), Labcorp
Classification: Likely benign for Bardet-Biedl syndrome. Last evaluated: 2023-09-25. Review status: criteria provided, single submitter. Criteria: Invitae Variant Classification Sherloc (09022015). Collection method: clinical testing. Allele origin: germline.

PreventionGenetics, part of Exact Sciences
Classification: Likely benign for BBS2-related condition. Last evaluated: 2024-01-22. Review status: no assertion criteria provided. Collection method: clinical testing. Allele origin: germline. Not counted in ClinVar's aggregate classification.
Comment: This variant is classified as likely benign based on ACMG/AMP sequence variant interpretation guidelines (Richards et al. 2015 PMID: 25741868, with internal and published modifications).